The following is an entry in ClinVar:

NM_003000.3(SDHB):c.793G>A (p.Glu265Lys)

Gene: SDHB (succinate dehydrogenase complex iron sulfur subunit B; minus strand). Cytogenetic location: 1p36.13.
Variant type: single nucleotide variant.
Coding change: c.793G>A on transcript NM_003000.3 (MANE Select); coding-DNA position 793, G replaced by A.
Protein change: p.Glu265Lys; replaces glutamic acid 265 with lysine.
Molecular consequence: missense variant.
Genome position (GRCh38, 1-based): chr1:17,018,931, C>T on the plus strand (G>A on the coding strand, the complement: SDHB is on the minus strand). VCF-style: chr1-17018931-C-T. GRCh37 (hg19) VCF-style: chr1-17345426-C-T.
Other names: short protein forms E265K.
Identifiers: ClinVar variation 1062289 (VCV001062289.9), dbSNP rs2101508231, ClinGen allele CA338268947.

ClinVar aggregate classification (germline): Uncertain significance. Review status: criteria provided, multiple submitters, no conflicts (2 of 4 stars). 2 submissions from 2 submitters: Uncertain significance (2). Last evaluated 2026-04-29.

Conditions:
Pheochromocytoma. Also called: MAX-Related Hereditary Paraganglioma-Pheochromocytoma Syndrome. Identifiers: Orphanet 29072, MedGen C0031511, MONDO:0008233, OMIM 171300, HP:0002666.
Gastrointestinal stromal tumor. Also called: Gastrointestinal stromal tumor, somatic; Gastrointestinal stroma tumor. Identifiers: Orphanet 44890, MedGen C0238198, MeSH D046152, MONDO:0011719, OMIM 606764, HP:0100723.
Pheochromocytoma/paraganglioma syndrome 4. Also called: CAROTID BODY TUMORS AND MULTIPLE EXTRAADRENAL PHEOCHROMOCYTOMAS; SDHB-Related Hereditary Paraganglioma-Pheochromocytoma Syndrome (Paragangliomas 4); Paragangliomas 4; SDHB-Related Hereditary Paraganglioma-Pheochromocytoma Syndrome; PARAGANGLIOMA, FAMILIAL MALIGNANT; PARAGANGLIOMAS, HEREDITARY EXTRAADRENAL. Identifiers: Orphanet 29072, MedGen C1861848, MONDO:0007273, OMIM 115310.
Hereditary cancer-predisposing syndrome. Also called: Tumor predisposition; Neoplastic Syndromes, Hereditary; Hereditary neoplastic syndrome; Hereditary Cancer Syndrome. Identifiers: Orphanet 140162, MedGen C0027672, MeSH D009386, MONDO:0015356.

Submissions (2):

Ambry Genetics
Classification: Uncertain significance for Hereditary cancer-predisposing syndrome. Last evaluated: 2026-04-29. Review status: criteria provided, single submitter. Criteria: Ambry Variant Classification Scheme 2023. Collection method: clinical testing. Allele origin: germline.
Comment: The p.E265K variant (also known as c.793G>A), located in coding exon 8 of the SDHB gene, results from a G to A substitution at nucleotide position 793. The glutamic acid at codon 265 is replaced by lysine, an amino acid with similar properties. This amino acid position is conserved. In addition, this alteration is predicted to be deleterious by in silico analysis. Since supporting evidence is limited at this time, the clinical significance of this alteration remains unclear.

Labcorp Genetics (formerly Invitae), Labcorp
Classification: Uncertain significance for Gastrointestinal stromal tumor; Pheochromocytoma/paraganglioma syndrome 4; Pheochromocytoma. Last evaluated: 2025-03-21. Review status: criteria provided, single submitter. Criteria: Invitae Variant Classification Sherloc (09022015). Collection method: clinical testing. Allele origin: germline.
Comment: This sequence change replaces glutamic acid, which is acidic and polar, with lysine, which is basic and polar, at codon 265 of the SDHB protein (p.Glu265Lys). This variant is not present in population databases (gnomAD no frequency). This variant has not been reported in the literature in individuals affected with SDHB-related conditions. ClinVar contains an entry for this variant (Variation ID: 1062289). Invitae Evidence Modeling of protein sequence and biophysical properties (such as structural, functional, and spatial information, amino acid conservation, physicochemical variation, residue mobility, and thermodynamic stability) indicates that this missense variant is not expected to disrupt SDHB protein function with a negative predictive value of 80%. In summary, the available evidence is currently insufficient to determine the role of this variant in disease. Therefore, it has been classified as a Variant of Uncertain Significance.